The following is an entry in ClinVar:

ClinVar aggregate classification (germline): Likely benign. Review status: criteria provided, multiple submitters, no conflicts (2 of 4 stars). 3 submissions from 3 submitters: Likely benign (3). Last evaluated 2026-01-05.

Conditions:
Left ventricular noncompaction 8 (LVNC8). Identifiers: Orphanet 154, Orphanet 54260, MedGen C3809288, MONDO:0014152, OMIM 615373.

Allele frequency attached by ClinVar (database versions not stated): gnomAD 0.00003 and 0.00004; TOPMed 0.00006; ExAC 0.00008; gnomAD exomes 0.00013.
gnomAD v4.1: 67 of 1,609,314 alleles (0.0042%); highest among the groups gnomAD compares: East Asian, 0.054%; no homozygotes.

Submissions (3):

Labcorp Genetics (formerly Invitae), Labcorp
Classification: Likely benign for Left ventricular noncompaction 8. Last evaluated: 2026-01-05. Review status: criteria provided, single submitter. Criteria: Invitae Variant Classification Sherloc (09022015). Collection method: clinical testing. Allele origin: germline.

Blueprint Genetics
Classification: Likely benign. Last evaluated: 2019-12-20. Review status: criteria provided, single submitter. Criteria: ACMG Guidelines, 2015. Collection method: clinical testing. Allele origin: germline.

GeneDx
Classification: Likely benign. Last evaluated: 2016-10-25. Review status: criteria provided, single submitter. Criteria: GeneDx Variant Classification (06012015). Collection method: clinical testing. Allele origin: germline. Affected: yes.
Comment: This variant is considered likely benign or benign based on one or more of the following criteria: it is a conservative change, it occurs at a poorly conserved position in the protein, it is predicted to be benign by multiple in silico algorithms, and/or has population frequency not consistent with disease.

NM_022114.4(PRDM16):c.3696+11G>A

Gene: PRDM16 (PR/SET domain 16; plus strand). Cytogenetic location: 1p36.32.
Variant type: single nucleotide variant.
Coding change: c.3696+11G>A on transcript NM_022114.4 (MANE Select); 11 bases into the intron after coding-DNA position 3696, G replaced by A.
Molecular consequence: intron variant.
Genome position (GRCh38, 1-based): chr1:3,432,151, G>A. VCF-style: chr1-3432151-G-A. GRCh37 (hg19) VCF-style: chr1-3348715-G-A.
Other names: c.3696+11G>A (NM_199454.3).
Identifiers: ClinVar variation 390334 (VCV000390334.9), dbSNP rs775474986, ClinGen allele CA544941.
Genomic context (GRCh38, chr1:3,432,151, plus strand): 5'-TAGATTCTGAGGCTTTAAAACATACACTGTGCAGGCAGGCTAAGAACCAGGTAGGTACCC[G>A]CCAGAGCCCCTCCCCCACCCCACCTGGCCTCCTCAGCCAGAGGACAGCCAGCACTCCTCT-3'